The following is an entry in ClinVar:

NM_000059.4(BRCA2):c.10130A>T (p.Glu3377Val)

Gene: BRCA2 (BRCA2 DNA repair associated; plus strand). Cytogenetic location: 13q13.1.
Variant type: single nucleotide variant.
Coding change: c.10130A>T on transcript NM_000059.4 (MANE Select); coding-DNA position 10130, A replaced by T.
Protein change: p.Glu3377Val; replaces glutamic acid 3377 with valine.
Molecular consequence: missense variant.
Genome position (GRCh38, 1-based): chr13:32,398,643, A>T. VCF-style: chr13-32398643-A-T. GRCh37 (hg19) VCF-style: chr13-32972780-A-T.
Other names: c.10034A>T, p.Glu3345Val (NM_001406719.1); c.10079A>T, p.Glu3360Val (NM_001406720.1); c.5198A>T, p.Glu1733Val (NM_001406721.1); c.3713A>T, p.Glu1238Val (NM_001406722.1); short protein forms E3360V, E3377V, E1238V, E3345V, E1733V.
Identifiers: ClinVar variation 1735116 (VCV001735116.3), dbSNP rs2073056123, ClinGen allele CA387768095.

ClinVar aggregate classification (germline): Uncertain significance. Review status: criteria provided, multiple submitters, no conflicts (2 of 4 stars). 2 submissions from 2 submitters: Uncertain significance (2). Last evaluated 2026-10-01.

Conditions:
Hereditary cancer-predisposing syndrome. Also called: Tumor predisposition; Hereditary Cancer Syndrome; Neoplastic Syndromes, Hereditary; Hereditary neoplastic syndrome. Identifiers: Orphanet 140162, MedGen C0027672, MeSH D009386, MONDO:0015356.
Breast-ovarian cancer, familial, susceptibility to, 2 (BROVCA2). Also called: BRCA2 Hereditary Breast and Ovarian Cancer. Identifiers: Orphanet 145, MedGen C2675520, MONDO:0012933, OMIM 612555. Disease mechanism: loss of function.

Submissions (2):

St. Jude Molecular Pathology, St. Jude Children's Research Hospital
Classification: Uncertain significance for Breast-ovarian cancer, familial, susceptibility to, 2. Last evaluated: 2026-10-01. Review status: criteria provided, single submitter. Criteria: St. Jude Assertion Criteria 2020. Collection method: clinical testing. Allele origin: germline.
Comment: The BRCA2 c.10130A>T p.(Glu3377Val) missense change is absent in gnomAD v2.1.1. The in silico tool REVEL predicts a benign effect on protein function, but to our knowledge this prediction has not been confirmed by func tional studies. To our knowledge, this variant has not been reported in individuals with BRCA2-related disease. In summary, the evidence currently available is insufficient to determine the clinical significance of this variant. It has therefore been cla ssified as of uncertain significance.

Ambry Genetics
Classification: Uncertain significance for Hereditary cancer-predisposing syndrome. Last evaluated: 2020-07-10. Review status: criteria provided, single submitter. Criteria: Ambry Variant Classification Scheme 2023. Collection method: clinical testing. Allele origin: germline.
Comment: The p.E3377V variant (also known as c.10130A>T), located in coding exon 26 of the BRCA2 gene, results from an A to T substitution at nucleotide position 10130. The glutamic acid at codon 3377 is replaced by valine, an amino acid with dissimilar properties. This amino acid position is poorly conserved in available vertebrate species. In addition, this alteration is predicted to be tolerated by in silico analysis. Since supporting evidence is limited at this time, the clinical significance of this alteration remains unclear.